The following is an entry in ClinVar:

ClinVar aggregate classification (germline): Likely benign. Review status: criteria provided, single submitter (1 of 4 stars). 2 submissions from 2 submitters: Likely benign (1). 1 of the submissions does not count toward it. Last evaluated 2023-11-28.

Conditions:
TMEM240-related disorder. Also called: TMEM240-related condition.

Allele frequency attached by ClinVar (database versions not stated): TOPMed 0.00006; gnomAD 0.00008; gnomAD exomes 0.00011; ExAC 0.00012.
gnomAD v4.1: 166 of 1,548,072 alleles (0.011%); highest among the groups gnomAD compares: Non-Finnish European, 0.014%; no homozygotes.

Submissions (2):

Labcorp Genetics (formerly Invitae), Labcorp
Classification: Likely benign. Last evaluated: 2023-11-28. Review status: criteria provided, single submitter. Criteria: Invitae Variant Classification Sherloc (09022015). Collection method: clinical testing. Allele origin: germline.

PreventionGenetics, part of Exact Sciences
Classification: Likely benign for TMEM240-related condition. Last evaluated: 2019-09-10. Review status: no assertion criteria provided. Collection method: clinical testing. Allele origin: germline. Not counted in ClinVar's aggregate classification.
Comment: This variant is classified as likely benign based on ACMG/AMP sequence variant interpretation guidelines (Richards et al. 2015 PMID: 25741868, with internal and published modifications).

NM_001114748.2(TMEM240):c.138C>T (p.Asp46=)

Gene: TMEM240 (transmembrane protein 240; minus strand). Cytogenetic location: 1p36.33.
Variant type: single nucleotide variant.
Coding change: c.138C>T on transcript NM_001114748.2 (MANE Select); coding-DNA position 138, C replaced by T.
Protein change: p.Asp46=; no amino-acid change (aspartic acid 46 retained).
Molecular consequence: synonymous variant.
Genome position (GRCh38, 1-based): chr1:1,539,710, G>A on the plus strand (C>T on the coding strand, the complement: TMEM240 is on the minus strand). VCF-style: chr1-1539710-G-A. GRCh37 (hg19) VCF-style: chr1-1475090-G-A.
Other names: c.138C>T (NM_001114748.1).
Identifiers: ClinVar variation 2889527 (VCV002889527.5), dbSNP rs755533123, ClinGen allele CA526713.
Genomic context (GRCh38, chr1:1,539,710, plus strand): 5'-ACGCGTGTCGAGCCGGCGCCGGTTGTGGACTCACCGGCCACAGTTGCAGTGGCAGACGCG[G>A]TCCTCGCCCCGCAGGTGCGGGAGGATGTAGTTGTGGAATCGGTCCAGCAGCGCGTTCATG-3'
Protein context (NP_001108220.1, residues 36-56): NYILPHLRGE[Asp46=]RVCHCNCGRH